The following is an entry in ClinVar:

ClinVar aggregate classification (germline): Uncertain significance. Review status: criteria provided, multiple submitters, no conflicts (2 of 4 stars). 6 submissions from 6 submitters: Uncertain significance (6). Last evaluated 2025-05-20.

Conditions:
Ehlers-Danlos syndrome, kyphoscoliotic type 1 (EDSKSCL1). Also called: PLOD1-Related Kyphoscoliotic Ehlers-Danlos Syndrome; EHLERS-DANLOS SYNDROME, OCULAR-SCOLIOTIC TYPE; EHLERS-DANLOS SYNDROME, TYPE VIA; Ehlers-Danlos syndrome, hydroxylysine-deficient. Identifiers: Orphanet 1900, MedGen C0268342, MONDO:0016002, OMIM 225400. Disease mechanism: loss of function.
Familial thoracic aortic aneurysm and aortic dissection (TAAD). Also called: Thoracic aortic aneurysms and dissections. Identifiers: Orphanet 91387, MedGen C4707243, MONDO:0019625.

Allele frequency attached by ClinVar (database versions not stated): ExAC 0.00002; gnomAD exomes 0.00002 and 0.00004; gnomAD 0.00003 and 0.00004; TOPMed 0.00005; ESP Exome Variant Server 0.00008.
gnomAD v4.1: 51 of 1,433,444 alleles (0.0036%); highest among the groups gnomAD compares: Non-Finnish European, 0.0046%; no homozygotes.

Submissions (6):

Women's Health and Genetics/Laboratory Corporation of America, LabCorp
Classification: Uncertain significance. Last evaluated: 2025-05-20. Review status: criteria provided, single submitter. Criteria: LabCorp Variant Classification Summary - May 2015. Collection method: clinical testing. Allele origin: germline.
Comment: Variant summary: PLOD1 c.1255T>C (p.Trp419Arg) results in a non-conservative amino acid change in the encoded protein sequence. Algorithms developed to predict the effect of missense changes on protein structure and function all suggest that this variant is likely to be disruptive. The variant allele was found at a frequency of 1.6e-05 in 251374 control chromosomes. The available data on variant occurrences in the general population are insufficient to allow any conclusion about variant significance. c.1255T>C has been observed in at-least one individual affected with classic Ehlers-Danlos syndrome, who was found to carry a PLOD1 pathogenic variant in trans (example: Colman_2021). These data do not allow any conclusion about variant significance. To our knowledge, no experimental evidence demonstrating an impact on protein function has been reported. The following publication has been ascertained in the context of this evaluation (PMID: 34265140). ClinVar contains an entry for this variant (Variation ID: 440167). Based on the evidence outlined above, the variant was classified as uncertain significance.

Ambry Genetics
Classification: Uncertain significance for Familial thoracic aortic aneurysm and aortic dissection. Last evaluated: 2024-10-30. Review status: criteria provided, single submitter. Criteria: Ambry Variant Classification Scheme 2023. Collection method: clinical testing. Allele origin: germline.
Comment: The p.W419R variant (also known as c.1255T>C), located in coding exon 12 of the PLOD1 gene, results from a T to C substitution at nucleotide position 1255. The tryptophan at codon 419 is replaced by arginine, an amino acid with dissimilar properties. This variant has been identified in conjunction with another PLOD1 variant in an individual with concerns for classical Ehlers-Danlos syndrome (EDS), but clinical details were limited (Colman M et al. Hum Mutat, 2021 Oct;42:1294-1306). This amino acid position is highly conserved in available vertebrate species. In addition, this alteration is predicted to be deleterious by in silico analysis. Based on the available evidence, the clinical significance of this variant remains unclear.

GeneDx
Classification: Uncertain significance. Last evaluated: 2023-12-07. Review status: criteria provided, single submitter. Criteria: GeneDx Variant Classification Process June 2021. Collection method: clinical testing. Allele origin: germline. Affected: yes.
Comment: Not observed at significant frequency in large population cohorts (gnomAD); In silico analysis supports that this missense variant has a deleterious effect on protein structure/function; This variant is associated with the following publications: (PMID: 34265140)

Labcorp Genetics (formerly Invitae), Labcorp
Classification: Uncertain significance for Ehlers-Danlos syndrome, kyphoscoliotic type 1. Last evaluated: 2022-06-10. Review status: criteria provided, single submitter. Criteria: Invitae Variant Classification Sherloc (09022015). Collection method: clinical testing. Allele origin: germline.
Comment: This sequence change replaces tryptophan, which is neutral and slightly polar, with arginine, which is basic and polar, at codon 419 of the PLOD1 protein (p.Trp419Arg). This variant is present in population databases (rs373446893, gnomAD 0.003%). This missense change has been observed in individual(s) with autosomal recessive Ehlers-Danlos syndrome (PMID: 34265140). In at least one individual the data is consistent with being in trans (on the opposite chromosome) from a pathogenic variant. ClinVar contains an entry for this variant (Variation ID: 440167). Algorithms developed to predict the effect of missense changes on protein structure and function are either unavailable or do not agree on the potential impact of this missense change (SIFT: "Deleterious"; PolyPhen-2: "Probably Damaging"; Align-GVGD: "Class C0"). In summary, the available evidence is currently insufficient to determine the role of this variant in disease. Therefore, it has been classified as a Variant of Uncertain Significance.

Blueprint Genetics
Classification: Uncertain significance. Last evaluated: 2020-09-09. Review status: criteria provided, single submitter. Criteria: ACMG Guidelines, 2015. Collection method: clinical testing. Allele origin: germline.

ARUP Laboratories, Molecular Genetics and Genomics, ARUP Laboratories
Classification: Uncertain significance. Last evaluated: 2017-03-02. Review status: criteria provided, single submitter. Criteria: ARUP Molecular Germline Variant Investigation Process. Collection method: clinical testing. Allele origin: germline.

Literature cited by the submitters: PubMed 34265140 (cited by 3 submitters).

NM_000302.4(PLOD1):c.1255T>C (p.Trp419Arg)

Gene: PLOD1 (procollagen-lysine,2-oxoglutarate 5-dioxygenase 1; plus strand). Cytogenetic location: 1p36.22.
Variant type: single nucleotide variant.
Coding change: c.1255T>C on transcript NM_000302.4 (MANE Select); coding-DNA position 1255, T replaced by C.
Protein change: p.Trp419Arg; replaces tryptophan 419 with arginine.
Molecular consequence: missense variant.
Genome position (GRCh38, 1-based): chr1:11,964,227, T>C. VCF-style: chr1-11964227-T-C. GRCh37 (hg19) VCF-style: chr1-12024284-T-C.
Other names: c.1396T>C, p.Trp466Arg (NM_001316320.2); short protein forms W419R, W466R.
Identifiers: ClinVar variation 440167 (VCV000440167.19), dbSNP rs373446893, ClinGen allele CA598341.
Genomic context (GRCh38, chr1:11,964,227, plus strand): 5'-TCCCTCAGGAACGTCATTGCCCCGCTGATGACCCGGCATGGGAGGCTGTGGTCGAACTTC[T>C]GGGGGGCTCTCAGTGCAGATGGCTACTATGCCCGTTCCGAGGACTACGTGGACATTGTGC-3'
Protein context (NP_000293.2, residues 409-429): TRHGRLWSNF[Trp419Arg]GALSADGYYA